The following is an entry in ClinVar:

NM_001384732.1(CPLANE1):c.1621G>A (p.Glu541Lys)

Gene: CPLANE1 (ciliogenesis and planar polarity effector complex subunit 1; minus strand). Cytogenetic location: 5p13.2.
Variant type: single nucleotide variant.
Coding change: c.1621G>A on transcript NM_001384732.1 (MANE Select); coding-DNA position 1621, G replaced by A.
Protein change: p.Glu541Lys; replaces glutamic acid 541 with lysine.
Molecular consequence: missense variant.
Genome position (GRCh38, 1-based): chr5:37,226,974, C>T on the plus strand (G>A on the coding strand, the complement: CPLANE1 is on the minus strand). VCF-style: chr5-37226974-C-T. GRCh37 (hg19) VCF-style: chr5-37227076-C-T.
Other names: c.1621G>A, p.Glu541Lys (NM_023073.4); short protein forms E541K.
Identifiers: ClinVar variation 1928573 (VCV001928573.5), dbSNP rs1307104090, ClinGen allele CA359501160.
Genomic context (GRCh38, chr5:37,226,974, plus strand): 5'-CCTCACTATCATCCTTTGCATGTATCGTATCAAACATAGATGCAAATTCCAATCTTCCTT[C>T]CTTCATACTACTACACAGCACATCATCTCTTTTGTTCCAAAAAGGACATAAGTTGTCTGG-3'
Protein context (NP_001371661.1, residues 531-551): RDDVLCSSMK[Glu541Lys]GRLEFASMFD

ClinVar aggregate classification (germline): Uncertain significance (1 of 4 stars; one submission).

Allele frequency attached by ClinVar (database versions not stated): gnomAD exomes below 0.00001; TOPMed below 0.00001; gnomAD 0.00001.

Submission:

Labcorp Genetics (formerly Invitae), Labcorp
Classification: Uncertain significance. Last evaluated: 2022-09-26. Review status: criteria provided, single submitter. Criteria: Invitae Variant Classification Sherloc (09022015). Collection method: clinical testing. Allele origin: germline.
Comment: This sequence change replaces glutamic acid, which is acidic and polar, with lysine, which is basic and polar, at codon 541 of the CPLANE1 protein (p.Glu541Lys). This variant is not present in population databases (gnomAD no frequency). This variant has not been reported in the literature in individuals affected with CPLANE1-related conditions. Advanced modeling of protein sequence and biophysical properties (such as structural, functional, and spatial information, amino acid conservation, physicochemical variation, residue mobility, and thermodynamic stability) performed at Invitae indicates that this missense variant is not expected to disrupt CPLANE1 protein function. In summary, the available evidence is currently insufficient to determine the role of this variant in disease. Therefore, it has been classified as a Variant of Uncertain Significance.